The following is an entry in ClinVar:

ClinVar aggregate classification (germline): Benign. Review status: criteria provided, multiple submitters, no conflicts (2 of 4 stars). 5 submissions from 4 submitters: Benign (5). Last evaluated 2022-03-15.

Conditions:
Fibromuscular dysplasia, multifocal. Identifiers: MedGen C5543412, MONDO:0859151, OMIM 619329.
Ehlers-Danlos syndrome, classic type, 1 (EDSCL1). Also called: Ehlers-Danlos Syndrome, Classic Type, COL5A1-Related; EHLERS-DANLOS SYNDROME, GRAVIS TYPE; EHLERS-DANLOS SYNDROME, SEVERE CLASSIC TYPE; Ehlers-Danlos syndrome, type 1; EDS I. Identifiers: MedGen C0268335, MONDO:0019567, OMIM 130000.

Allele frequency attached by ClinVar (database versions not stated): TOPMed 0.56158; gnomAD 0.56359 and 0.57123; gnomAD exomes 0.48000 and 0.50290; ESP Exome Variant Server 0.59150; ExAC 0.49846; 1000 Genomes Project 0.56829; 1000 Genomes Project 30x 0.57152.
gnomAD v4.1: 811,063 of 1,595,100 alleles (51%); highest among the groups gnomAD compares: African/African-American, 78%; 212,195 homozygotes.

Submissions (5):

Genome-Nilou Lab
Classification: Benign for Ehlers-Danlos syndrome, classic type, 1. Last evaluated: 2022-03-15. Review status: criteria provided, single submitter. Criteria: ACMG Guidelines, 2015. Collection method: clinical testing. Allele origin: germline. Affected: no.

Genome-Nilou Lab
Classification: Benign for Fibromuscular dysplasia, multifocal. Last evaluated: 2022-03-15. Review status: criteria provided, single submitter. Criteria: ACMG Guidelines, 2015. Collection method: clinical testing. Allele origin: germline. Affected: no.

GeneDx
Classification: Benign. Last evaluated: 2018-06-18. Review status: criteria provided, single submitter. Criteria: GeneDx Variant Classification (06012015). Collection method: clinical testing. Allele origin: germline. Affected: yes.
Comment: This variant is considered likely benign or benign based on one or more of the following criteria: it is a conservative change, it occurs at a poorly conserved position in the protein, it is predicted to be benign by multiple in silico algorithms, and/or has population frequency not consistent with disease.

Breakthrough Genomics
Classification: Benign. Review status: criteria provided, single submitter. Criteria: ACMG Guidelines, 2015. Collection method: not provided. Allele origin: germline. Inheritance: Autosomal dominant inheritance. Affected: yes.

PreventionGenetics, part of Exact Sciences
Classification: Benign. Review status: criteria provided, single submitter. Criteria: ACMG Guidelines, 2015. Collection method: clinical testing. Allele origin: germline.

NM_000093.5(COL5A1):c.1432-24C>T

Gene: COL5A1 (collagen type V alpha 1 chain; plus strand). Cytogenetic location: 9q34.3.
Variant type: single nucleotide variant.
Coding change: c.1432-24C>T on transcript NM_000093.5 (MANE Select); 24 bases into the intron before coding-DNA position 1432, C replaced by T.
Molecular consequence: intron variant.
Genome position (GRCh38, 1-based): chr9:134,738,722, C>T. VCF-style: chr9-134738722-C-T. GRCh37 (hg19) VCF-style: chr9-137630568-C-T.
Other names: c.1432-24C>T (NM_001278074.1).
Identifiers: ClinVar variation 255050 (VCV000255050.4), dbSNP rs3109677, ClinGen allele CA5318808.
Genomic context (GRCh38, chr9:134,738,722, plus strand): 5'-CTCTGCCTTGGTTGGCCAGTTGGAACTTGGACCTTGCCCTGCGGCCCCATCTTCTAACTG[C>T]CCCAACTTTATTTTTAATTCTAGGGTCTTCCCGGACCTCCAGGAACCATGGGTCCCACTG-3'